The following is an entry in ClinVar:

NM_000297.4(PKD2):c.1320-2del

Gene: PKD2 (polycystin 2, transient receptor potential cation channel; plus strand). Cytogenetic location: 4q22.1.
Variant type: Deletion.
Coding change: c.1320-2del on transcript NM_000297.4 (MANE Select); the canonical splice acceptor site of the intron before coding-DNA position 1320, one base deleted (A; older notation c.1320-2delA).
Molecular consequence: splice acceptor variant.
Genome position (GRCh38, 1-based): chr4:88,046,640, A deleted. VCF-style (leftmost placement, unchanged base first): chr4-88046639-CA-C. GRCh37 (hg19) VCF-style: chr4-88967791-CA-C.
Identifiers: ClinVar variation 638001 (VCV000638001.2), dbSNP rs1578135823, ClinGen allele CA915943163.
Genomic context (GRCh38, chr4:88,046,639, plus strand): 5'-CATTCCTGGCTGTATTCATGTGTTGTTGTTGTTATTGTTTTAATTGTTCTTATTTACATG[CA>C]GGTTATTGGTTGAATTCCCAGCAACAGGTGGTGTGATTCCATCTTGGCAATTTCAGCCTT-3'

ClinVar aggregate classification (germline): Pathogenic. Review status: criteria provided, multiple submitters, no conflicts (2 of 4 stars). 2 submissions from 2 submitters: Pathogenic (2). Last evaluated 2025-07-17.

Conditions:
Polycystic kidney disease 2 (PKD2). Also called: Polycystic Kidney Disease 2, Autosomal Dominant; POLYCYSTIC KIDNEY DISEASE, ADULT, TYPE II; POLYCYSTIC KIDNEY DISEASE 2 WITH OR WITHOUT POLYCYSTIC LIVER DISEASE. Identifiers: MedGen C2751306, MONDO:0013131, OMIM 613095.

Submissions (2):

Institute of Human Genetics, University of Leipzig Medical Center
Classification: Pathogenic for Polycystic kidney disease 2. Last evaluated: 2025-07-17. Review status: criteria provided, single submitter. Criteria: ACMG Guidelines, 2015. Collection method: clinical testing. Allele origin: unknown. Inheritance: Autosomal dominant inheritance. Affected: yes.
Comment: Criteria applied: PVS1,PM2,PS4_SUP,PP4

MVZ Martinsried, Medicover Genetics
Classification: Pathogenic for Polycystic kidney disease 2. Last evaluated: 2019-01-21. Review status: criteria provided, single submitter. Criteria: ACMG Guidelines, 2015. Collection method: clinical testing. Allele origin: unknown. Affected: yes.